The following is an entry in ClinVar:

NM_001291303.3(FAT4):c.8162A>G (p.Asn2721Ser)

Gene: FAT4 (FAT atypical cadherin 4; plus strand). Cytogenetic location: 4q28.1.
Variant type: single nucleotide variant.
Coding change: c.8162A>G on transcript NM_001291303.3 (MANE Select); coding-DNA position 8162, A replaced by G.
Protein change: p.Asn2721Ser; replaces asparagine 2721 with serine.
Molecular consequence: missense variant.
Genome position (GRCh38, 1-based): chr4:125,449,172, A>G. VCF-style: chr4-125449172-A-G. GRCh37 (hg19) VCF-style: chr4-126370327-A-G.
Other names: c.8162A>G, p.Asn2721Ser (NM_001291285.3); c.8156A>G, p.Asn2719Ser (NM_024582.6); c.8156A>G (NM_024582.4); short protein forms N2719S, N2721S.
Identifiers: ClinVar variation 809680 (VCV000809680.43), dbSNP rs1452280145, ClinGen allele CA358145335.

ClinVar aggregate classification (germline): Uncertain significance. Review status: criteria provided, multiple submitters, no conflicts (2 of 4 stars). 3 submissions from 3 submitters: Uncertain significance (3). Last evaluated 2024-11-07.

Allele frequency attached by ClinVar (database versions not stated): gnomAD exomes below 0.00001 and 0.00001; TOPMed below 0.00001; gnomAD 0.00001.
gnomAD v4.1: 19 of 1,613,860 alleles (0.0012%); highest among the groups gnomAD compares: Non-Finnish European, 0.0015%; no homozygotes.

Submissions (3):

GeneDx
Classification: Uncertain significance. Last evaluated: 2024-11-07. Review status: criteria provided, single submitter. Criteria: GeneDx Variant Classification Process June 2021. Collection method: clinical testing. Allele origin: germline. Affected: yes.
Comment: Not observed at significant frequency in large population cohorts (gnomAD); In silico analysis indicates that this missense variant does not alter protein structure/function; Has not been previously published as pathogenic or benign to our knowledge

Labcorp Genetics (formerly Invitae), Labcorp
Classification: Uncertain significance. Last evaluated: 2022-03-20. Review status: criteria provided, single submitter. Criteria: Invitae Variant Classification Sherloc (09022015). Collection method: clinical testing. Allele origin: germline.
Comment: This sequence change replaces asparagine, which is neutral and polar, with serine, which is neutral and polar, at codon 2719 of the FAT4 protein (p.Asn2719Ser). This variant is present in population databases (no rsID available, gnomAD 0.0009%). This variant has not been reported in the literature in individuals affected with FAT4-related conditions. ClinVar contains an entry for this variant (Variation ID: 809680). Advanced modeling of protein sequence and biophysical properties (such as structural, functional, and spatial information, amino acid conservation, physicochemical variation, residue mobility, and thermodynamic stability) performed at Invitae indicates that this missense variant is not expected to disrupt FAT4 protein function. In summary, the available evidence is currently insufficient to determine the role of this variant in disease. Therefore, it has been classified as a Variant of Uncertain Significance.

CeGaT Center for Human Genetics Tuebingen
Classification: Uncertain significance. Last evaluated: 2019-04-01. Review status: criteria provided, single submitter. Criteria: CeGaT Center For Human Genetics Tuebingen Variant Classification Criteria Version 2. Collection method: clinical testing. Allele origin: germline. Affected: yes. Observed: 3 variant alleles.